The following is an entry in ClinVar:

ClinVar aggregate classification (germline): Uncertain significance (1 of 4 stars; one submission).

gnomAD v4.1: 1 of 1,613,994 alleles (0.000062%); highest among the groups gnomAD compares: Admixed American, 0.0017%; no homozygotes.

Submission:

GeneDx
Classification: Uncertain significance. Last evaluated: 2023-07-27. Review status: criteria provided, single submitter. Criteria: GeneDx Variant Classification Process June 2021. Collection method: clinical testing. Allele origin: germline. Affected: yes.
Comment: Not observed at significant frequency in large population cohorts (gnomAD); In silico analysis supports that this missense variant has a deleterious effect on protein structure/function; Has not been previously published as pathogenic or benign to our knowledge

NM_000426.4(LAMA2):c.6221A>G (p.Asp2074Gly)

Genes: LAMA2 (laminin subunit alpha 2; plus strand), LOC123864065 (Sharpr-MPRA regulatory region 661; plus strand). Cytogenetic location: 6q22.33.
Variant type: single nucleotide variant.
Coding change: c.6221A>G on transcript NM_000426.4 (MANE Select); coding-DNA position 6221, A replaced by G.
Protein change: p.Asp2074Gly; replaces aspartic acid 2074 with glycine.
Molecular consequence: missense variant.
Genome position (GRCh38, 1-based): chr6:129,440,951, A>G. VCF-style: chr6-129440951-A-G. GRCh37 (hg19) VCF-style: chr6-129762096-A-G.
Other names: c.6221A>G, p.Asp2074Gly (NM_001079823.2); short protein forms D2074G.
Identifiers: ClinVar variation 3361471 (VCV003361471.1).
Genomic context (GRCh38, chr6:129,440,951, plus strand): 5'-AGATTACAGAGCTCCACCAGAACCTCGATGGCCTGAAGAAGAATTACAATAAACTAGCAG[A>G]CAGCGTCGCCAAAACGAATGCTGTGGTTAAAGATCCTTCCAAGAACAGTAAGATCTCCTT-3'
Protein context (NP_000417.3, residues 2064-2084): GLKKNYNKLA[Asp2074Gly]SVAKTNAVVK